The following is an entry in ClinVar:

ClinVar aggregate classification (germline): Conflicting classifications of pathogenicity. Review status: criteria provided, conflicting classifications (1 of 4 stars). 3 submissions from 3 submitters: Likely pathogenic (1); Uncertain significance (2). Last evaluated 2024-12-18.

Conditions:
Asphyxiating thoracic dystrophy 3. Also called: Short rib polydactyly syndrome 2B; SHORT-RIB THORACIC DYSPLASIA 3/6 WITH POLYDACTYLY, DIGENIC; SHORT-RIB THORACIC DYSPLASIA 3 WITH OR WITHOUT POLYDACTYLY; POLYDACTYLY WITH NEONATAL CHONDRODYSTROPHY, TYPE I; Saldino-Noonan Syndrome. Identifiers: Orphanet 474, Orphanet 93269, Orphanet 93270, Orphanet 93271, MedGen C0036069, MONDO:0013127, OMIM 613091.

gnomAD v4.1: 1 of 1,613,290 alleles (0.000062%); highest among the groups gnomAD compares: Non-Finnish European, 0.000085%; no homozygotes.

Submissions (3):

Women's Health and Genetics/Laboratory Corporation of America, LabCorp
Classification: Uncertain significance. Last evaluated: 2024-12-18. Review status: criteria provided, single submitter. Criteria: LabCorp Variant Classification Summary - May 2015. Collection method: clinical testing. Allele origin: germline.
Comment: Variant summary: DYNC2H1 c.7085A>G (p.Asn2362Ser) results in a conservative amino acid change in the encoded protein sequence. Three of five in-silico tools predict a benign effect of the variant on protein function. The variant was absent in 248550 control chromosomes. The available data on variant occurrences in the general population are insufficient to allow any conclusion about variant significance. c.7085A>G has been reported in the literature in individuals affected with Short-rib thoracic dysplasia (Schmidts_2013). These report(s) do not provide unequivocal conclusions about association of the variant with Short-rib thoracic dysplasia. To our knowledge, no experimental evidence demonstrating an impact on protein function has been reported. The following publication have been ascertained in the context of this evaluation (PMID: 23456818). ClinVar contains an entry for this variant (Variation ID: 879555). Based on the evidence outlined above, the variant was classified as uncertain significance.

CeGaT Center for Human Genetics Tuebingen
Classification: Likely pathogenic. Last evaluated: 2021-02-01. Review status: criteria provided, single submitter. Criteria: CeGaT Center For Human Genetics Tuebingen Variant Classification Criteria Version 2. Collection method: clinical testing. Allele origin: germline. Affected: yes. Observed: 1 variant allele.

Illumina Laboratory Services, Illumina
Classification: Uncertain significance for Asphyxiating thoracic dystrophy 3. Last evaluated: 2018-01-13. Review status: criteria provided, single submitter. Criteria: ICSL Variant Classification Criteria 13 December 2019. Collection method: clinical testing. Allele origin: germline.

Literature cited by the submitters: PubMed 23456818 (cited by Women's Health and Genetics/Laboratory Corporation of America, LabCorp).

NM_001377.3(DYNC2H1):c.7085A>G (p.Asn2362Ser)

Gene: DYNC2H1 (dynein cytoplasmic 2 heavy chain 1; plus strand). Cytogenetic location: 11q22.3.
Variant type: single nucleotide variant.
Coding change: c.7085A>G on transcript NM_001377.3 (MANE Select); coding-DNA position 7085, A replaced by G.
Protein change: p.Asn2362Ser; replaces asparagine 2362 with serine.
Molecular consequence: missense variant.
Genome position (GRCh38, 1-based): chr11:103,187,531, A>G. VCF-style: chr11-103187531-A-G. GRCh37 (hg19) VCF-style: chr11-103058260-A-G.
Other names: c.7085A>G, p.Asn2362Ser (NM_001080463.2); short protein forms N2362S.
Identifiers: ClinVar variation 879555 (VCV000879555.43), dbSNP rs1862122773, ClinGen allele CA382252065.